The following is an entry in ClinVar:

ClinVar aggregate classification (germline): Uncertain significance (1 of 4 stars; one submission).

Submission:

GeneDx
Classification: Uncertain significance. Last evaluated: 2022-11-29. Review status: criteria provided, single submitter. Criteria: GeneDx Variant Classification Process June 2021. Collection method: clinical testing. Allele origin: germline. Affected: yes.
Comment: Not observed at significant frequency in large population cohorts (gnomAD); In-frame deletion of 3 amino acids in a non-repeat region; In silico analysis supports a deleterious effect on protein structure/function; Has not been previously published as pathogenic or benign to our knowledge

NM_000096.4(CP):c.2503_2511del (p.His835_His837del)

Gene: CP (ceruloplasmin; minus strand). Cytogenetic location: 3q24.
Variant type: Deletion.
Coding change: c.2503_2511del on transcript NM_000096.4 (MANE Select); coding-DNA positions 2503 to 2511, 9 bases deleted (CATGCCCAT; older notation c.2503_2511delCATGCCCAT).
Protein change: p.His835_His837del.
Molecular consequence: inframe deletion. On other transcripts: non-coding transcript variant (1).
Genome position (GRCh38, 1-based): chr3:149,182,048-149,182,056, ATGGGCATG deleted on the plus strand (CATGCCCAT on the coding strand, the reverse complement: CP is on the minus strand). VCF-style (leftmost placement, unchanged base first): chr3-149182047-CATGGGCATG-C. GRCh37 (hg19) VCF-style: chr3-148899834-CATGGGCATG-C.
Identifiers: ClinVar variation 2503219 (VCV002503219.1), dbSNP rs2472747936, ClinGen allele CA2580615992.